The following is an entry in ClinVar:

NM_173467.5(MCAT):c.231G>A (p.Met77Ile)

Gene: MCAT (malonyl-CoA-acyl carrier protein transacylase; minus strand). Cytogenetic location: 22q13.2.
Variant type: single nucleotide variant.
Coding change: c.231G>A on transcript NM_173467.5 (MANE Select); coding-DNA position 231, G replaced by A.
Protein change: p.Met77Ile; replaces methionine 77 with isoleucine.
Molecular consequence: missense variant. On other transcripts: non-coding transcript variant (1).
Genome position (GRCh38, 1-based): chr22:43,143,118, C>T on the plus strand (G>A on the coding strand, the complement: MCAT is on the minus strand). VCF-style: chr22-43143118-C-T. GRCh37 (hg19) VCF-style: chr22-43539124-C-T.
Other names: c.231G>A, p.Met77Ile (NM_014507.3); short protein forms M77I.
Identifiers: ClinVar variation 3348594 (VCV003348594.1).

ClinVar aggregate classification (germline): Likely benign (0 of 4 stars; one submission).

Conditions:
MCAT-related condition.

Submission:

PreventionGenetics, part of Exact Sciences
Classification: Likely benign for MCAT-related condition. Last evaluated: 2024-05-13. Review status: no assertion criteria provided. Collection method: clinical testing. Allele origin: germline.
Comment: This variant is classified as likely benign based on ACMG/AMP sequence variant interpretation guidelines (Richards et al. 2015 PMID: 25741868, with internal and published modifications).